The following is an entry in ClinVar:

NM_001321120.2(TBX4):c.*766A>C

Gene: TBX4 (T-box transcription factor 4; plus strand). Cytogenetic location: 17q23.2.
Variant type: single nucleotide variant.
Coding change: c.*766A>C on transcript NM_001321120.2 (MANE Select); 766 bases downstream of the stop codon, A replaced by C.
Molecular consequence: 3 prime UTR variant.
Genome position (GRCh38, 1-based): chr17:61,484,282, A>C. VCF-style: chr17-61484282-A-C. GRCh37 (hg19) VCF-style: chr17-59561643-A-C.
Other names: c.*766A>C (LRG_1206t1, NM_018488.3).
Identifiers: ClinVar variation 324286 (VCV000324286.5), dbSNP rs191996071, ClinGen allele CA10649718.

ClinVar aggregate classification (germline): Benign (1 of 4 stars; one submission).

Conditions:
Coxopodopatellar syndrome. Also called: ISCHIOPATELLAR DYSPLASIA; SCOTT-TAOR SYNDROME; Small patella syndrome; ISCHIOCOXOPODOPATELLAR SYNDROME; PATELLA APLASIA, COXA VARA, AND TARSAL SYNOSTOSIS; Congenital coxa vara, patella aplasia and tarsal synostosis. Identifiers: Orphanet 1509, MedGen C1840061, MONDO:0007841, OMIM 147891.

Allele frequency attached by ClinVar (database versions not stated): gnomAD 0.00091 and 0.00098; TOPMed 0.00129; 1000 Genomes Project 0.00160; 1000 Genomes Project 30x 0.00187.

Submission:

Illumina Laboratory Services, Illumina
Classification: Benign for Coxopodopatellar syndrome. Last evaluated: 2018-01-13. Review status: criteria provided, single submitter. Criteria: ICSL Variant Classification Criteria 13 December 2019. Collection method: clinical testing. Allele origin: germline.
Comment: This variant was observed in the ICSL laboratory as part of a predisposition screen in an ostensibly healthy population. It had not been previously curated by ICSL or reported in the Human Gene Mutation Database (HGMD: prior to June 1st, 2018), and was therefore a candidate for classification through an automated scoring system. Utilizing variant allele frequency, disease prevalence and penetrance estimates, and inheritance mode, an automated score was calculated to assess if this variant is too frequent to cause the disease. Based on the score and internal cut-off values, a variant classified as benign is not then subjected to further curation. The score for this variant resulted in a classification of benign for this disease.